The following is an entry in ClinVar:

NM_001013736.3(FAM47C):c.2236C>T (p.Arg746Trp)

Gene: FAM47C (family with sequence similarity 47 member C; plus strand). Cytogenetic location: Xp21.1.
Variant type: single nucleotide variant.
Coding change: c.2236C>T on transcript NM_001013736.3 (MANE Select); coding-DNA position 2236, C replaced by T.
Protein change: p.Arg746Trp; replaces arginine 746 with tryptophan.
Molecular consequence: missense variant.
Genome position (GRCh38, 1-based): chrX:37,010,646, C>T. VCF-style: chrX-37010646-C-T. GRCh37 (hg19) VCF-style: chrX-37028719-C-T.
Other names: c.2236C>T (NM_001013736.2); short protein forms R746W.
Identifiers: ClinVar variation 2660274 (VCV002660274.26), dbSNP rs199727942, ClinGen allele CA10383021.

ClinVar aggregate classification (germline): Conflicting classifications of pathogenicity. Review status: criteria provided, conflicting classifications (1 of 4 stars). 2 submissions from 2 submitters: Uncertain significance (1); Likely benign (1). Last evaluated 2024-08-21.

Allele frequency attached by ClinVar (database versions not stated): TOPMed 0.00005; gnomAD 0.00007; ESP Exome Variant Server 0.00019.
gnomAD v4.1: 62 of 1,200,962 alleles (0.0052%); highest among the groups gnomAD compares: Non-Finnish European, 0.0065%; no homozygotes.

Submissions (2):

Ambry Genetics
Classification: Uncertain significance. Last evaluated: 2024-08-21. Review status: criteria provided, single submitter. Criteria: Ambry Variant Classification Scheme 2023. Collection method: clinical testing. Allele origin: germline.

CeGaT Center for Human Genetics Tuebingen
Classification: Likely benign. Last evaluated: 2023-03-01. Review status: criteria provided, single submitter. Criteria: CeGaT Center For Human Genetics Tuebingen Variant Classification Criteria Version 2. Collection method: clinical testing. Allele origin: germline. Affected: yes. Observed: 2 variant alleles.
Comment: FAM47C: BP4, BS2